The following is an entry in ClinVar:

ClinVar aggregate classification (germline): Uncertain significance (1 of 4 stars; one submission).

Conditions:
Dyskeratosis congenita. Identifiers: Orphanet 1775, MedGen C0265965, MONDO:0015780.

gnomAD v4.1: 7 of 1,613,986 alleles (0.00043%); highest among the groups gnomAD compares: Admixed American, 0.0083%; no homozygotes.

Submission:

Labcorp Genetics (formerly Invitae), Labcorp
Classification: Uncertain significance for Dyskeratosis congenita. Last evaluated: 2024-03-10. Review status: criteria provided, single submitter. Criteria: Invitae Variant Classification Sherloc (09022015). Collection method: clinical testing. Allele origin: germline.
Comment: This sequence change replaces serine, which is neutral and polar, with glycine, which is neutral and non-polar, at codon 627 of the CTC1 protein (p.Ser627Gly). This variant is present in population databases (no rsID available, gnomAD 0.01%). This variant has not been reported in the literature in individuals affected with CTC1-related conditions. Advanced modeling of protein sequence and biophysical properties (such as structural, functional, and spatial information, amino acid conservation, physicochemical variation, residue mobility, and thermodynamic stability) performed at Invitae indicates that this missense variant is expected to disrupt CTC1 protein function with a positive predictive value of 80%. In summary, the available evidence is currently insufficient to determine the role of this variant in disease. Therefore, it has been classified as a Variant of Uncertain Significance.

NM_025099.6(CTC1):c.1879A>G (p.Ser627Gly)

Gene: CTC1 (CST telomere replication complex component 1; minus strand). Cytogenetic location: 17p13.1.
Variant type: single nucleotide variant.
Coding change: c.1879A>G on transcript NM_025099.6 (MANE Select); coding-DNA position 1879, A replaced by G.
Protein change: p.Ser627Gly; replaces serine 627 with glycine.
Molecular consequence: missense variant. On other transcripts: non-coding transcript variant (1).
Genome position (GRCh38, 1-based): chr17:8,232,972, T>C on the plus strand (A>G on the coding strand, the complement: CTC1 is on the minus strand). VCF-style: chr17-8232972-T-C. GRCh37 (hg19) VCF-style: chr17-8136290-T-C.
Other names: c.1879A>G, p.Ser627Gly (NM_001411067.1); short protein forms S627G.
Identifiers: ClinVar variation 3716378 (VCV003716378.2).